The following is an entry in ClinVar:

NM_000371.4(TTR):c.302C>T (p.Ala101Val)

Gene: TTR (transthyretin; plus strand). Cytogenetic location: 18q12.1.
Variant type: single nucleotide variant.
Coding change: c.302C>T on transcript NM_000371.4 (MANE Select); coding-DNA position 302, C replaced by T.
Protein change: p.Ala101Val; replaces alanine 101 with valine.
Molecular consequence: missense variant.
Genome position (GRCh38, 1-based): chr18:31,595,221, C>T. VCF-style: chr18-31595221-C-T. GRCh37 (hg19) VCF-style: chr18-29175184-C-T.
Other names: p.Ala101Val; short protein forms A101V.
Identifiers: ClinVar variation 495842 (VCV000495842.21), dbSNP rs1555631417, ClinGen allele CA402157096.

ClinVar aggregate classification (germline): Conflicting classifications of pathogenicity. Review status: criteria provided, conflicting classifications (1 of 4 stars). 9 submissions from 9 submitters: Pathogenic (3); Likely pathogenic (1); Uncertain significance (4). 1 of the submissions does not count toward it. Last evaluated 2025-11-23.

Conditions:
Cardiovascular phenotype. Identifiers: MedGen CN230736.
Cardiomyopathy (CMYO). Also called: Cardiomyopathies. Identifiers: Orphanet 167848, MedGen C0878544, MONDO:0004994, HP:0001638. Inheritance: Various modes of inheritance.
Amyloidosis, hereditary systemic 1 (AMYLD1). Also called: Familial amyloid polyneuropathy; Transthyretin Amyloidosis; AMYLOID CARDIOMYOPATHY; Isolated Cardiac Amyloidosis; Amyloid Cardiomyopathy, Transthyretin-related; Hereditary oculoleptomeningeal amyloid angiopathy. Identifiers: Orphanet 85447, Orphanet 85451, MedGen C2751492, MONDO:0971004, OMIM 105210.

Allele frequency attached by ClinVar (database versions not stated): gnomAD exomes below 0.00001.
gnomAD v4.1: 1 of 1,614,156 alleles (0.000062%); highest among the groups gnomAD compares: Non-Finnish European, 0.000085%; no homozygotes.

Submissions (9):

Labcorp Genetics (formerly Invitae), Labcorp
Classification: Pathogenic for Amyloidosis, hereditary systemic 1. Last evaluated: 2025-11-23. Review status: criteria provided, single submitter. Criteria: Invitae Variant Classification Sherloc (09022015). Collection method: clinical testing. Allele origin: germline.
Comment: This sequence change replaces alanine, which is neutral and non-polar, with valine, which is neutral and non-polar, at codon 101 of the TTR protein (p.Ala101Val). This variant is not present in population databases (gnomAD no frequency). This missense change has been observed in individual(s) with hereditary transthyretin-mediated amyloidosis (hATTR amyloidosis) (PMID: 25044787, 32789836, 34024775). This variant is also known as Ala81Val. ClinVar contains an entry for this variant (Variation ID: 495842). Invitae Evidence Modeling of protein sequence and biophysical properties (such as structural, functional, and spatial information, amino acid conservation, physicochemical variation, residue mobility, and thermodynamic stability) indicates that this missense variant is expected to disrupt TTR protein function with a positive predictive value of 95%. This variant disrupts the p.Ala101 amino acid residue in TTR. Other variant(s) that disrupt this residue have been determined to be pathogenic (internal data). This suggests that this residue is clinically significant, and that variants that disrupt this residue are likely to be disease-causing. For these reasons, this variant has been classified as Pathogenic.

Ambry Genetics
Classification: Pathogenic for Cardiovascular phenotype. Last evaluated: 2025-08-14. Review status: criteria provided, single submitter. Criteria: Ambry Variant Classification Scheme 2023. Collection method: clinical testing. Allele origin: germline.
Comment: The c.302C>T (p.A101V) alteration is located in exon 3 (coding exon 3) of the TTR gene. This alteration results from a C to T substitution at nucleotide position 302, causing the alanine (A) at amino acid position 101 to be replaced by a valine (V). This variant was not reported in population-based cohorts in the Genome Aggregation Database (gnomAD). This variant was reported in individuals with features consistent with hereditary transthyretin-related amyloidosis (Rowczenio, 2019; Gawor, 2022; Tseng, 2021; Chen, 2021; Sha, 2024; Choy, 2024; ebrauskien, 2024). Another variant at the same codon, c.301G>A (p.A101T), has been identified in individuals with features consistent with hereditary transthyretin-related amyloidosis (Connors, 2003; Obici, 2012; Quarta, 2014; Sperry, 2018, external communication). This amino acid position is not well conserved in available vertebrate species. The c.302C>T alteration is predicted to be deleterious by in silico analysis. Based on the available evidence, this alteration is classified as pathogenic.

Women's Health and Genetics/Laboratory Corporation of America, LabCorp
Classification: Pathogenic for Amyloidosis, hereditary systemic 1. Last evaluated: 2025-06-13. Review status: criteria provided, single submitter. Criteria: LabCorp Variant Classification Summary - May 2015. Collection method: clinical testing. Allele origin: germline.
Comment: Variant summary: TTR c.302C>T (p.Ala101Val) results in a non-conservative amino acid change in the encoded protein sequence. Algorithms developed to predict the effect of missense changes on protein structure and function are either unavailable or do not agree on the potential impact of this missense change. The variant was absent in 251436 control chromosomes. c.302C>T has been observed in multiple individuals affected with transthyretin-mediated amyloidosis (hATTR amyloidosis) (example: Benson_2007, Gawor_2022, Zebrauskiene_2024) . These data indicate that the variant is very likely to be associated with disease. The following publications have been ascertained in the context of this evaluation (PMID: 17554795, 25044787, 32789836, 38399526). ClinVar contains an entry for this variant (Variation ID: 495842). Based on the evidence outlined above, the variant was classified as pathogenic.

Mayo Clinic Laboratories, Mayo Clinic
Classification: Uncertain significance. Last evaluated: 2023-10-30. Review status: criteria provided, single submitter. Criteria: ACMG Guidelines, 2015. Collection method: clinical testing. Allele origin: germline. Observed: 1 variant allele.
Comment: PP4, PM2_moderate, PS4_moderate

ARUP Laboratories, Molecular Genetics and Genomics, ARUP Laboratories
Classification: Uncertain significance. Last evaluated: 2023-02-28. Review status: criteria provided, single submitter. Criteria: ARUP Molecular Germline Variant Investigation Process 2024. Collection method: clinical testing. Allele origin: germline.
Comment: The TTR c.302C>T; p.Ala101Val variant (rs1555631417), also known as Ala81Val in the mature protein, is reported in the literature in several individuals affected with transthyretin-related amyloidosis (Benson 2007, Chen 2021, Gawor 2022). This variant is also reported in ClinVar (Variation ID: 495842). This variant is absent from the Genome Aggregation Database, indicating it is not a common polymorphism. Additionally, other variants at this codon (c.301G>A; p.Ala101Thr) have been reported in individuals with transthyretin-related amyloidosis (Connors 2003), but clinical significance is uncertain. Computational analyses are uncertain whether this variant is neutral or deleterious (REVEL: 0.752). However, given the lack of clinical and functional data, the significance of this variant is uncertain at this time. References: Benson MD et al. The molecular biology and clinical features of amyloid neuropathy. Muscle Nerve. 2007 Oct;36(4):411-23. PMID: 17554795. Chen Z et al. Hereditary Transthyretin Amyloidosis- Clinical and Genetic Characteristics of a Multiracial South-East Asian Cohort in Singapore. J Neuromuscul Dis. 2021;8(4):723-733. PMID: 34024775. Connors LH et al. Tabulation of human transthyretin (TTR) variants, 2003. Amyloid. 2003 Sep;10(3):160-84. PMID: 14640030. Gawor M et al. Spectrum of transthyretin gene mutations and clinical characteristics of Polish patients with cardiac transthyretin amyloidosis. Cardiol J. 2022;29(6):985-993. PMID: 32789836.

CHEO Genetics Diagnostic Laboratory, Children's Hospital of Eastern Ontario
Classification: Uncertain significance for Cardiomyopathy. Last evaluated: 2023-02-15. Review status: criteria provided, single submitter. Criteria: ACMG Guidelines, 2015. Collection method: clinical testing. Allele origin: germline.

GeneDx
Classification: Uncertain significance. Last evaluated: 2022-05-11. Review status: criteria provided, single submitter. Criteria: GeneDx Variant Classification Process June 2021. Collection method: clinical testing. Allele origin: germline. Affected: yes.
Comment: Not observed at significant frequency in large population cohorts (gnomAD); In silico analysis supports that this missense variant does not alter protein structure/function; Also known as A81V; This variant is associated with the following publications: (PMID: Holcman_2021_Abstract, 17554795, 25044787, 32789836, 30328212, 34024775)

Juno Genomics, Hangzhou Juno Genomics, Inc
Classification: Likely pathogenic for Amyloidosis, hereditary systemic 1. Review status: criteria provided, single submitter. Criteria: ACMG Guidelines, 2015. Collection method: clinical testing. Allele origin: germline. Affected: yes.
Comment: Absent from controls (or at extremely low frequency if recessive) in Genome Aggregation Database, Exome Sequencing Project, 1000 Genomes Project, or Exome Aggregation Consortium.;Well-established in vitro or in vivo functional studies supportive of a damaging effect on the gene or gene product.;The prevalence of the variant in affected individuals is significantly increased compared to the prevalence in controls.;Patient's phenotype or family history is highly specific for a disease with a single genetic etiology.

Molecular Genetics Laboratory, BC Children's and BC Women's Hospitals
Classification: Likely pathogenic for Amyloidosis, hereditary systemic 1. Last evaluated: 2024-12-20. Review status: no assertion criteria provided. Criteria: ACMG Guidelines, 2015. Collection method: clinical testing. Allele origin: germline. Affected: yes. Not counted in ClinVar's aggregate classification.

Literature cited by the submitters: PubMed 25044787 (cited by 3 submitters); PubMed 32789836 (cited by 4 submitters); PubMed 34024775 (cited by 3 submitters); PubMed 14640030 (cited by Ambry Genetics); PubMed 22551192 (cited by Ambry Genetics); PubMed 24563469 (cited by Ambry Genetics); PubMed 30328212 (cited by Ambry Genetics); PubMed 30336828 (cited by Ambry Genetics); PubMed 34584389 (cited by Ambry Genetics); PubMed 37827496 (cited by Ambry Genetics and Mayo Clinic Laboratories, Mayo Clinic); PubMed 38377730 (cited by Ambry Genetics); PubMed 38399526 (cited by Ambry Genetics and Women's Health and Genetics/Laboratory Corporation of America, LabCorp); PubMed 17554795 (cited by Women's Health and Genetics/Laboratory Corporation of America, LabCorp and Mayo Clinic Laboratories, Mayo Clinic); PubMed 26550692 (cited by Mayo Clinic Laboratories, Mayo Clinic); PubMed 27562180 (cited by Mayo Clinic Laboratories, Mayo Clinic).